The following is an entry in ClinVar:

ClinVar aggregate classification (germline): Uncertain significance (1 of 4 stars; one submission).

Allele frequency attached by ClinVar (database versions not stated): ExAC 0.00001; gnomAD 0.00001; gnomAD exomes 0.00001.
gnomAD v4.1: 24 of 1,614,120 alleles (0.0015%); highest among the groups gnomAD compares: Non-Finnish European, 0.002%; no homozygotes.

Submission:

Labcorp Genetics (formerly Invitae), Labcorp
Classification: Uncertain significance. Last evaluated: 2022-06-13. Review status: criteria provided, single submitter. Criteria: Invitae Variant Classification Sherloc (09022015). Collection method: clinical testing. Allele origin: germline.
Comment: Algorithms developed to predict the effect of missense changes on protein structure and function output the following: SIFT: "Tolerated"; PolyPhen-2: "Benign"; Align-GVGD: "Class C0". The cysteine amino acid residue is found in multiple mammalian species, which suggests that this missense change does not adversely affect protein function. In summary, the available evidence is currently insufficient to determine the role of this variant in disease. Therefore, it has been classified as a Variant of Uncertain Significance. This variant has not been reported in the literature in individuals affected with AHR-related conditions. This variant is present in population databases (rs746059971, gnomAD 0.002%). This sequence change replaces tyrosine, which is neutral and polar, with cysteine, which is neutral and slightly polar, at codon 696 of the AHR protein (p.Tyr696Cys).

NM_001621.5(AHR):c.2087A>G (p.Tyr696Cys)

Gene: AHR (aryl hydrocarbon receptor; plus strand). Cytogenetic location: 7p21.1.
Variant type: single nucleotide variant.
Coding change: c.2087A>G on transcript NM_001621.5 (MANE Select); coding-DNA position 2087, A replaced by G.
Protein change: p.Tyr696Cys; replaces tyrosine 696 with cysteine.
Molecular consequence: missense variant.
Genome position (GRCh38, 1-based): chr7:17,339,912, A>G. VCF-style: chr7-17339912-A-G. GRCh37 (hg19) VCF-style: chr7-17379536-A-G.
Other names: short protein forms Y696C.
Identifiers: ClinVar variation 1506517 (VCV001506517.8), dbSNP rs746059971, ClinGen allele CA4172227.